The following is an entry in ClinVar:

NM_152594.3(SPRED1):c.1192dup (p.Asp398fs)

Gene: SPRED1 (sprouty related EVH1 domain containing 1; plus strand). Cytogenetic location: 15q14.
Variant type: Duplication.
Coding change: c.1192dup on transcript NM_152594.3 (MANE Select); coding-DNA position 1192, one base duplicated (G; older notation c.1192dupG).
Protein change: p.Asp398fs; shifts the reading frame from aspartic acid 398.
Molecular consequence: frameshift variant.
Genome position (GRCh38, 1-based): chr15:38,351,521, G duplicated. VCF-style (leftmost placement, unchanged base first): chr15-38351520-C-CG. GRCh37 (hg19) VCF-style: chr15-38643721-C-CG.
Other names: short protein forms D398fs.
Identifiers: ClinVar variation 3573642 (VCV003573642.1).
Genomic context (GRCh38, chr15:38,351,520, plus strand): 5'-TCATTGTATGTCAGACTCAGAGGGAGATTTTTCTGATCCCTGTTCGTGTGACACTAGCGA[C>CG]GACAAGTTCTGCTTGCGATGGTTAGCCCTGGTAGCTTTGTCTTTCATTGTACCATGTATG-3'

ClinVar aggregate classification (germline): Likely pathogenic (1 of 4 stars; one submission).

Submission:

GeneDx
Classification: Likely pathogenic. Last evaluated: 2024-07-15. Review status: criteria provided, single submitter. Criteria: GeneDx Variant Classification Process June 2021. Collection method: clinical testing. Allele origin: germline. Affected: yes.
Comment: Frameshift variant predicted to result in abnormal protein length as the last 47 amino acids are replaced with 33 different amino acids, and other similar variants have been reported in HGMD; Not observed at significant frequency in large population cohorts (gnomAD); Has not been previously published as pathogenic or benign to our knowledge